The following is an entry in ClinVar:

ClinVar aggregate classification (germline): Conflicting classifications of pathogenicity. Review status: criteria provided, conflicting classifications (1 of 4 stars). 4 submissions from 4 submitters: Uncertain significance (1); Likely benign (3). Last evaluated 2025-08-11.

Conditions:
Emery-Dreifuss muscular dystrophy 4, autosomal dominant (EDMD4). Also called: EMERY-DREIFUSS MUSCULAR DYSTROPHY 4 WITH VARIABLE FEATURES. Identifiers: Orphanet 261, MedGen C2751807, MONDO:0013071, OMIM 612998.
Autosomal recessive ataxia, Beauce type. Also called: SYNE1 Deficiency; SYNE1-Related Autosomal Recessive Cerebellar Ataxia; Spinocerebellar ataxia, autosomal recessive 8; ATAXIA, RECESSIVE, OF BEAUCE. Identifiers: Orphanet 88644, MedGen C1853116, MONDO:0012549, OMIM 610743.

Allele frequency attached by ClinVar (database versions not stated): TOPMed 0.00008; ESP Exome Variant Server 0.00015; 1000 Genomes Project 30x 0.00016; 1000 Genomes Project 0.00020.
gnomAD v4.1: 220 of 1,613,818 alleles (0.014%); highest among the groups gnomAD compares: South Asian, 0.023%; no homozygotes.

Submissions (4):

Labcorp Genetics (formerly Invitae), Labcorp
Classification: Likely benign for Emery-Dreifuss muscular dystrophy 4, autosomal dominant; Autosomal recessive ataxia, Beauce type. Last evaluated: 2025-08-11. Review status: criteria provided, single submitter. Criteria: Invitae Variant Classification Sherloc (09022015). Collection method: clinical testing. Allele origin: germline.

CeGaT Center for Human Genetics Tuebingen
Classification: Likely benign. Last evaluated: 2022-12-01. Review status: criteria provided, single submitter. Criteria: CeGaT Center For Human Genetics Tuebingen Variant Classification Criteria Version 2. Collection method: clinical testing. Allele origin: germline. Affected: yes. Observed: 2 variant alleles.
Comment: SYNE1: BP4, BP7

Athena Diagnostics
Classification: Likely benign. Last evaluated: 2019-04-30. Review status: criteria provided, single submitter. Criteria: Athena Diagnostics Criteria. Collection method: clinical testing. Allele origin: germline.

Eurofins Ntd Llc (ga)
Classification: Uncertain significance. Last evaluated: 2017-10-09. Review status: criteria provided, single submitter. Criteria: EGL Classification Definitions 2015. Collection method: clinical testing. Allele origin: germline. Observed: 2 variant alleles, 2 heterozygotes.

NM_182961.4(SYNE1):c.14106C>T (p.Thr4702=)

Gene: SYNE1 (spectrin repeat containing nuclear envelope protein 1; minus strand). Cytogenetic location: 6q25.2.
Variant type: single nucleotide variant.
Coding change: c.14106C>T on transcript NM_182961.4 (MANE Select); coding-DNA position 14106, C replaced by T.
Protein change: p.Thr4702=; no amino-acid change (threonine 4702 retained).
Molecular consequence: synonymous variant.
Genome position (GRCh38, 1-based): chr6:152,330,579, G>A on the plus strand (C>T on the coding strand, the complement: SYNE1 is on the minus strand). VCF-style: chr6-152330579-G-A. GRCh37 (hg19) VCF-style: chr6-152651714-G-A.
Other names: c.13893C>T, p.Thr4631= (NM_033071.5).
Identifiers: ClinVar variation 594423 (VCV000594423.50), dbSNP rs146180064, ClinGen allele CA4056071.